The following is an entry in ClinVar:

NM_003476.5(CSRP3):c.137G>A (p.Ser46Asn)

Gene: CSRP3 (cysteine and glycine rich protein 3; minus strand). Cytogenetic location: 11p15.1.
Variant type: single nucleotide variant.
Coding change: c.137G>A on transcript NM_003476.5 (MANE Select); coding-DNA position 137, G replaced by A.
Protein change: p.Ser46Asn; replaces serine 46 with asparagine.
Molecular consequence: missense variant. On other transcripts: intron variant (1).
Genome position (GRCh38, 1-based): chr11:19,188,280, C>T on the plus strand (G>A on the coding strand, the complement: CSRP3 is on the minus strand). VCF-style: chr11-19188280-C-T. GRCh37 (hg19) VCF-style: chr11-19209827-C-T.
Other names: c.113-1932G>A (NM_001369404.1); short protein forms S46N.
Identifiers: ClinVar variation 3755906 (VCV003755906.2).

ClinVar aggregate classification (germline): Uncertain significance (1 of 4 stars; one submission).

Conditions:
Dilated cardiomyopathy 1M (CMD1M). Identifiers: Orphanet 154, MedGen C1843808, MONDO:0011840, OMIM 607482.
Hypertrophic cardiomyopathy 12. Identifiers: MedGen C2677491, MONDO:0012804, OMIM 612124.

Submission:

Labcorp Genetics (formerly Invitae), Labcorp
Classification: Uncertain significance for Hypertrophic cardiomyopathy 12; Dilated cardiomyopathy 1M. Last evaluated: 2024-04-17. Review status: criteria provided, single submitter. Criteria: Invitae Variant Classification Sherloc (09022015). Collection method: clinical testing. Allele origin: germline.
Comment: This sequence change replaces serine, which is neutral and polar, with asparagine, which is neutral and polar, at codon 46 of the CSRP3 protein (p.Ser46Asn). This variant is not present in population databases (gnomAD no frequency). This variant has not been reported in the literature in individuals affected with CSRP3-related conditions. An algorithm developed to predict the effect of missense changes on protein structure and function (PolyPhen-2) suggests that this variant is likely to be disruptive. In summary, the available evidence is currently insufficient to determine the role of this variant in disease. Therefore, it has been classified as a Variant of Uncertain Significance.